The following is an entry in ClinVar:

ClinVar aggregate classification (germline): Pathogenic/Likely pathogenic. Review status: criteria provided, multiple submitters, no conflicts (2 of 4 stars). 4 submissions from 4 submitters: Pathogenic (1); Likely pathogenic (2). 1 of the submissions does not count toward it. Last evaluated 2025-09-04.

Conditions:
Cardiac arrhythmia. Also called: Arrhythmia; Cardiac rhythm disease. Identifiers: MedGen C0003811, MONDO:0007263, HP:0011675.
Familial long QT syndrome (RWS). Also called: Congenital long QT syndrome; Romano-Ward syndrome; VENTRICULAR FIBRILLATION WITH PROLONGED QT INTERVAL. Identifiers: Orphanet 768, MedGen C1141890, MONDO:0019171.
Long QT syndrome (LQTS). Identifiers: MedGen C0023976, MeSH D008133, MONDO:0002442. Disease mechanism: loss of function. Inheritance: Various modes of inheritance.

Allele frequency attached by ClinVar (database versions not stated): TOPMed below 0.00001.
gnomAD v4.1: 1 of 1,614,096 alleles (0.000062%); highest among the groups gnomAD compares: Non-Finnish European, 0.000085%; no homozygotes.

Submissions (4):

GeneDx
Classification: Likely pathogenic. Last evaluated: 2025-09-04. Review status: criteria provided, single submitter. Criteria: GeneDx Variant Classification Process June 2021. Collection method: clinical testing. Allele origin: germline. Affected: yes.
Comment: Identified in patients with LQTS referred for genetic testing at GeneDx and in published literature; including a patient identified prenatally with congenital LQTS (PMID: 15840476, 23631430, 32421437, 38361570); Not observed at significant frequency in large population cohorts (gnomAD); In silico analysis supports that this missense variant has a deleterious effect on protein structure/function; This variant is associated with the following publications: (PMID: 19716085, 15840476, 23631430, 19862833, 28606196, 31415974, 32421437, 22949429, 38361570)

Labcorp Genetics (formerly Invitae), Labcorp
Classification: Pathogenic for Long QT syndrome. Last evaluated: 2024-06-08. Review status: criteria provided, single submitter. Criteria: Invitae Variant Classification Sherloc (09022015). Collection method: clinical testing. Allele origin: germline.
Comment: This sequence change replaces serine, which is neutral and polar, with tyrosine, which is neutral and polar, at codon 566 of the KCNQ1 protein (p.Ser566Tyr). This variant is not present in population databases (gnomAD no frequency). This missense change has been observed in individuals with clinical features of autosomal dominant long QT syndrome (PMID: 15840476, 19716085, 23631430, 28606196, 32421437; Invitae). ClinVar contains an entry for this variant (Variation ID: 53005). Advanced modeling of protein sequence and biophysical properties (such as structural, functional, and spatial information, amino acid conservation, physicochemical variation, residue mobility, and thermodynamic stability) performed at Invitae indicates that this missense variant is expected to disrupt KCNQ1 protein function with a positive predictive value of 95%. This variant disrupts the p.Ser566 amino acid residue in KCNQ1. Other variant(s) that disrupt this residue have been determined to be pathogenic (PMID: 10973849, 22949429). This suggests that this residue is clinically significant, and that variants that disrupt this residue are likely to be disease-causing. For these reasons, this variant has been classified as Pathogenic.

Color Diagnostics, LLC DBA Color Health
Classification: Likely pathogenic for Cardiac arrhythmia. Last evaluated: 2023-03-13. Review status: criteria provided, single submitter. Criteria: ACMG Guidelines, 2015. Collection method: clinical testing. Allele origin: germline.
Comment: This missense variant replaces serine with tyrosine at codon 566 of the KCNQ1 protein. Computational prediction suggests that this variant may have deleterious impact on protein structure and function (internally defined REVEL score threshold >= 0.7, PMID: 27666373). This variant is found within a highly conserved region of the C-terminal cytoplasmic domain. Rare nontruncating variants in this region have been shown to be significantly overrepresented in individuals with long QT syndrome (PMID: 32893267). This variant has been reported in ten individuals from four families affected with long QT syndrome (PMID: 31415974, 32421437, ClinVar SCV000074027.7, SCV000234518.8), another three unrelated individuals suspected of having long QT syndrome (PMID: 15840476, 19716085), and an individual affected with syncope (PMID: 28606196). This variant has not been identified in the general population by the Genome Aggregation Database (gnomAD). A different missense variant occurring at the same codon, p.Ser566Phe, is considered to be disease causing (ClinVar variation ID 53006), indicating that serine at this position is important for KCNQ1 protein function. Based on the available evidence, this variant is classified as Likely Pathogenic.

Cardiovascular Biomedical Research Unit, Royal Brompton & Harefield NHS Foundation Trust
No classification provided. Condition: Familial long QT syndrome. Review status: no classification provided. Collection method: literature only. Allele origin: germline. Not counted in ClinVar's aggregate classification.
Comment: This variant has been reported as associated with Long QT syndrome in the following publications (PMID:15840476;PMID:19716085). This is a literature report, and does not necessarily reflect the clinical interpretation of the Imperial College / Royal Brompton Cardiovascular Genetics laboratory.

Literature cited by the submitters: PubMed 15840476 (cited by 3 submitters); PubMed 19716085 (cited by 3 submitters); PubMed 23631430 (cited by Labcorp Genetics (formerly Invitae), Labcorp); PubMed 28606196 (cited by Labcorp Genetics (formerly Invitae), Labcorp and Color Diagnostics, LLC DBA Color Health); PubMed 32421437 (cited by Labcorp Genetics (formerly Invitae), Labcorp and Color Diagnostics, LLC DBA Color Health); PubMed 10973849 (cited by Labcorp Genetics (formerly Invitae), Labcorp); PubMed 22949429 (cited by Labcorp Genetics (formerly Invitae), Labcorp); PubMed 31415974 (cited by Color Diagnostics, LLC DBA Color Health); PubMed 32893267 (cited by Color Diagnostics, LLC DBA Color Health); PubMed 22581653 (cited by Cardiovascular Biomedical Research Unit, Royal Brompton & Harefield NHS Foundation Trust).

NM_000218.3(KCNQ1):c.1697C>A (p.Ser566Tyr)

Gene: KCNQ1 (potassium voltage-gated channel subfamily Q member 1; plus strand). Cytogenetic location: 11p15.5.
Variant type: single nucleotide variant.
Coding change: c.1697C>A on transcript NM_000218.3 (MANE Select); coding-DNA position 1697, C replaced by A.
Protein change: p.Ser566Tyr; replaces serine 566 with tyrosine.
Molecular consequence: missense variant.
Genome position (GRCh38, 1-based): chr11:2,776,997, C>A. VCF-style: chr11-2776997-C-A. GRCh37 (hg19) VCF-style: chr11-2798227-C-A.
Other names: c.1697C>A (LRG_287t1); c.1601C>A, p.Ser534Tyr (NM_001406836.1); c.1427C>A, p.Ser476Tyr (NM_001406837.1); c.1157C>A, p.Ser386Tyr (NM_001406838.1); c.1316C>A, p.Ser439Tyr (NM_181798.2); short protein forms S566Y, S439Y, S534Y, S386Y, S476Y.
Identifiers: ClinVar variation 53005 (VCV000053005.18), dbSNP rs199472804, ClinGen allele CA006206.